The following is an entry in ClinVar:

ClinVar aggregate classification (germline): Uncertain significance (1 of 4 stars; one submission).

Submission:

Labcorp Genetics (formerly Invitae), Labcorp
Classification: Uncertain significance. Last evaluated: 2025-07-30. Review status: criteria provided, single submitter. Criteria: Invitae Variant Classification Sherloc (09022015). Collection method: clinical testing. Allele origin: germline.
Comment: This sequence change replaces asparagine, which is neutral and polar, with lysine, which is basic and polar, at codon 132 of the SPTB protein (p.Asn132Lys). This variant is not present in population databases (gnomAD no frequency). This variant has not been reported in the literature in individuals affected with SPTB-related conditions. An algorithm developed to predict the effect of missense changes on protein structure and function (PolyPhen-2) suggests that this variant is likely to be disruptive. In summary, the available evidence is currently insufficient to determine the role of this variant in disease. Therefore, it has been classified as a Variant of Uncertain Significance.

NM_001355436.2(SPTB):c.396C>A (p.Asn132Lys)

Gene: SPTB (spectrin beta, erythrocytic; minus strand). Cytogenetic location: 14q23.3.
Variant type: single nucleotide variant.
Coding change: c.396C>A on transcript NM_001355436.2 (MANE Select); coding-DNA position 396, C replaced by A.
Protein change: p.Asn132Lys; replaces asparagine 132 with lysine.
Molecular consequence: missense variant.
Genome position (GRCh38, 1-based): chr14:64,803,685, G>T on the plus strand (C>A on the coding strand, the complement: SPTB is on the minus strand). VCF-style: chr14-64803685-G-T. GRCh37 (hg19) VCF-style: chr14-65270403-G-T.
Other names: c.396C>A, p.Asn132Lys (NM_001024858.4, NM_001355437.2); short protein forms N132K.
Identifiers: ClinVar variation 4724479 (VCV004724479.1).